The following is an entry in ClinVar:

NM_005191.4(CD80):c.*214T>G

Gene: CD80 (CD80 molecule; minus strand). Cytogenetic location: 3q13.33.
Variant type: single nucleotide variant.
Coding change: c.*214T>G on transcript NM_005191.4 (MANE Select); 214 bases downstream of the stop codon, T replaced by G.
Molecular consequence: 3 prime UTR variant.
Genome position (GRCh38, 1-based): chr3:119,525,574, A>C on the plus strand (T>G on the coding strand, the complement: CD80 is on the minus strand). VCF-style: chr3-119525574-A-C. GRCh37 (hg19) VCF-style: chr3-119244421-A-C.
Identifiers: ClinVar variation 1224718 (VCV001224718.4), dbSNP rs7628626, ClinGen allele CA16155846.

ClinVar aggregate classification (germline): Benign. Review status: criteria provided, multiple submitters, no conflicts (2 of 4 stars). 2 submissions from 2 submitters: Benign (2). Last evaluated 2020-02-17.

Allele frequency attached by ClinVar (database versions not stated): TOPMed 0.81463; gnomAD 0.82185 and 0.82306; 1000 Genomes Project 30x 0.82261; 1000 Genomes Project 0.82388; gnomAD exomes 0.89779.
gnomAD v4.1: 125,414 of 152,346 alleles (82%); highest among the groups gnomAD compares: East Asian, 87%; 51,707 homozygotes.

Submissions (2):

GeneDx
Classification: Benign. Last evaluated: 2020-02-17. Review status: criteria provided, single submitter. Criteria: GeneDx Variant Classification Process June 2021. Collection method: clinical testing. Allele origin: germline. Affected: yes.
Comment: This variant is associated with the following publications: (PMID: 25497975)

Breakthrough Genomics
Classification: Benign. Review status: criteria provided, single submitter. Criteria: ACMG Guidelines, 2015. Collection method: not provided. Allele origin: germline. Inheritance: Unknown mechanism. Affected: yes.